The following is an entry in ClinVar:

NM_002519.3(NPAT):c.2092A>G (p.Ser698Gly)

Gene: NPAT (nuclear protein, coactivator of histone transcription; minus strand). Cytogenetic location: 11q22.3.
Variant type: single nucleotide variant.
Coding change: c.2092A>G on transcript NM_002519.3 (MANE Select); coding-DNA position 2092, A replaced by G.
Protein change: p.Ser698Gly; replaces serine 698 with glycine.
Molecular consequence: missense variant.
Genome position (GRCh38, 1-based): chr11:108,172,892, T>C on the plus strand (A>G on the coding strand, the complement: NPAT is on the minus strand). VCF-style: chr11-108172892-T-C. GRCh37 (hg19) VCF-style: chr11-108043619-T-C.
Other names: c.2092A>G, p.Ser698Gly (NM_001321307.1); short protein forms S698G.
Identifiers: ClinVar variation 2496688 (VCV002496688.2), dbSNP rs2496718697, ClinGen allele CA382513708.

ClinVar aggregate classification (germline): Uncertain significance (1 of 4 stars; one submission).

Submission:

Ambry Genetics
Classification: Uncertain significance. Last evaluated: 2022-11-04. Review status: criteria provided, single submitter. Criteria: Ambry Variant Classification Scheme 2023. Collection method: clinical testing. Allele origin: germline.
Comment: The p.S698G variant (also known as c.2092A>G), located in coding exon 13 of the NPAT gene, results from an A to G substitution at nucleotide position 2092. The serine at codon 698 is replaced by glycine, an amino acid with similar properties. This amino acid position is conserved. In addition, this alteration is predicted to be tolerated by in silico analysis. Since supporting evidence is limited at this time, the clinical significance of this alteration remains unclear.